The following is an entry in ClinVar:

ClinVar aggregate classification (germline): Conflicting classifications of pathogenicity. Review status: criteria provided, conflicting classifications (1 of 4 stars). 3 submissions from 3 submitters: Uncertain significance (2); Likely benign (1). Last evaluated 2024-11-24.

Conditions:
Epidermodysplasia verruciformis. Identifiers: Orphanet 302, MedGen C0014522, MONDO:0009176.
Inborn genetic diseases. Identifiers: MedGen C0950123, MeSH D030342.

Allele frequency attached by ClinVar (database versions not stated): ExAC 0.00024; ESP Exome Variant Server 0.00040; gnomAD 0.00042 and 0.00044; TOPMed 0.00044; gnomAD exomes 0.00045 and 0.00091.

Submissions (3):

Blueprint Genetics
Classification: Likely benign. Last evaluated: 2024-11-24. Review status: criteria provided, single submitter. Criteria: ACMG Guidelines, 2015. Collection method: clinical testing. Allele origin: germline.

Ambry Genetics
Classification: Uncertain significance for Inborn genetic diseases. Last evaluated: 2024-01-02. Review status: criteria provided, single submitter. Criteria: Ambry Variant Classification Scheme 2023. Collection method: clinical testing. Allele origin: germline.

Labcorp Genetics (formerly Invitae), Labcorp
Classification: Uncertain significance for Epidermodysplasia verruciformis. Last evaluated: 2022-09-27. Review status: criteria provided, single submitter. Criteria: Invitae Variant Classification Sherloc (09022015). Collection method: clinical testing. Allele origin: germline.
Comment: This sequence change replaces valine, which is neutral and non-polar, with alanine, which is neutral and non-polar, at codon 106 of the TMC6 protein (p.Val106Ala). This variant is present in population databases (rs147389770, gnomAD 0.09%). This variant has not been reported in the literature in individuals affected with TMC6-related conditions. ClinVar contains an entry for this variant (Variation ID: 656799). Algorithms developed to predict the effect of missense changes on protein structure and function output the following: SIFT: "Not Available"; PolyPhen-2: "Benign"; Align-GVGD: "Not Available". The alanine amino acid residue is found in multiple mammalian species, which suggests that this missense change does not adversely affect protein function. In summary, the available evidence is currently insufficient to determine the role of this variant in disease. Therefore, it has been classified as a Variant of Uncertain Significance.

NM_001127198.5(TMC6):c.317T>C (p.Val106Ala)

Gene: TMC6 (transmembrane channel like 6; minus strand). Cytogenetic location: 17q25.3.
Variant type: single nucleotide variant.
Coding change: c.317T>C on transcript NM_001127198.5 (MANE Select); coding-DNA position 317, T replaced by C.
Protein change: p.Val106Ala; replaces valine 106 with alanine.
Molecular consequence: missense variant. On other transcripts: non-coding transcript variant (4).
Genome position (GRCh38, 1-based): chr17:78,125,839, A>G on the plus strand (T>C on the coding strand, the complement: TMC6 is on the minus strand). VCF-style: chr17-78125839-A-G. GRCh37 (hg19) VCF-style: chr17-76121920-A-G.
Other names: c.317T>C (NM_007267.6); c.317T>C, p.Val106Ala (NM_001321185.1, NM_001374593.1, NM_001374594.1 and 4 more transcripts); short protein forms V106A.
Identifiers: ClinVar variation 656799 (VCV000656799.8), dbSNP rs147389770, ClinGen allele CA8796165.